The following is an entry in ClinVar:

NM_006885.4(ZFHX3):c.5601C>T (p.Leu1867=)

Genes: ZFHX3 (zinc finger homeobox 3; minus strand), ZFHX3-AS1 (ZFHX3 antisense RNA 1; plus strand). Cytogenetic location: 16q22.2.
Variant type: single nucleotide variant.
Coding change: c.5601C>T on transcript NM_006885.4 (MANE Select); coding-DNA position 5601, C replaced by T.
Protein change: p.Leu1867=; no amino-acid change (leucine 1867 retained).
Molecular consequence: synonymous variant.
Genome position (GRCh38, 1-based): chr16:72,797,081, G>A on the plus strand (C>T on the coding strand, the complement: ZFHX3 is on the minus strand). VCF-style: chr16-72797081-G-A. GRCh37 (hg19) VCF-style: chr16-72830980-G-A.
Other names: c.2859C>T, p.Leu953= (NM_001164766.2); c.5601C>T, p.Leu1867= (NM_001386735.1).
Identifiers: ClinVar variation 3905114 (VCV003905114.10).

ClinVar aggregate classification (germline): Likely benign (1 of 4 stars; one submission).

gnomAD v4.1: 59 of 1,614,016 alleles (0.0037%); highest among the groups gnomAD compares: African/African-American, 0.06%; no homozygotes.

Submission:

CeGaT Center for Human Genetics Tuebingen
Classification: Likely benign. Last evaluated: 2025-06-01. Review status: criteria provided, single submitter. Criteria: CeGaT Center For Human Genetics Tuebingen Variant Classification Criteria Version 2. Collection method: clinical testing. Allele origin: germline. Affected: yes. Observed: 1 variant allele.
Comment: ZFHX3: BP4, BP7